The following is an entry in ClinVar:

NM_032634.4(PIGO):c.907C>T (p.Pro303Ser)

Gene: PIGO (phosphatidylinositol glycan anchor biosynthesis class O; minus strand). Cytogenetic location: 9p13.3.
Variant type: single nucleotide variant.
Coding change: c.907C>T on transcript NM_032634.4 (MANE Select); coding-DNA position 907, C replaced by T.
Protein change: p.Pro303Ser; replaces proline 303 with serine.
Molecular consequence: missense variant.
Genome position (GRCh38, 1-based): chr9:35,093,453, G>A on the plus strand (C>T on the coding strand, the complement: PIGO is on the minus strand). VCF-style: chr9-35093453-G-A. GRCh37 (hg19) VCF-style: chr9-35093450-G-A.
Other names: c.907C>T, p.Pro303Ser (NM_001201484.2, NM_152850.4); short protein forms P303S.
Identifiers: ClinVar variation 951763 (VCV000951763.8), dbSNP rs1175305039, ClinGen allele CA373323232.

ClinVar aggregate classification (germline): Uncertain significance (1 of 4 stars; one submission).

Conditions:
Hyperphosphatasia with impaired intellectual development syndrome 2. Also called: Hyperphosphatasia with intellectual disability syndrome 2; GLYCOSYLPHOSPHATIDYLINOSITOL BIOSYNTHESIS DEFECT 6. Identifiers: Orphanet 247262, MedGen C3553637, MONDO:0013882, OMIM 614749.

Allele frequency attached by ClinVar (database versions not stated): TOPMed 0.00002; gnomAD 0.00001.
gnomAD v4.1: 4 of 1,614,030 alleles (0.00025%); highest among the groups gnomAD compares: African/African-American, 0.0027%; no homozygotes.

Submission:

Labcorp Genetics (formerly Invitae), Labcorp
Classification: Uncertain significance for Hyperphosphatasia with impaired intellectual development syndrome 2. Last evaluated: 2024-02-17. Review status: criteria provided, single submitter. Criteria: Invitae Variant Classification Sherloc (09022015). Collection method: clinical testing. Allele origin: germline.
Comment: This sequence change replaces proline, which is neutral and non-polar, with serine, which is neutral and polar, at codon 303 of the PIGO protein (p.Pro303Ser). This variant is not present in population databases (gnomAD no frequency). This variant has not been reported in the literature in individuals affected with PIGO-related conditions. ClinVar contains an entry for this variant (Variation ID: 951763). Advanced modeling of protein sequence and biophysical properties (such as structural, functional, and spatial information, amino acid conservation, physicochemical variation, residue mobility, and thermodynamic stability) performed at Invitae indicates that this missense variant is not expected to disrupt PIGO protein function with a negative predictive value of 80%. In summary, the available evidence is currently insufficient to determine the role of this variant in disease. Therefore, it has been classified as a Variant of Uncertain Significance.